The following is an entry in ClinVar:

NM_005811.5(GDF11):c.892C>T (p.Arg298Trp)

Gene: GDF11 (growth differentiation factor 11; plus strand). Cytogenetic location: 12q13.2.
Variant type: single nucleotide variant.
Coding change: c.892C>T on transcript NM_005811.5 (MANE Select); coding-DNA position 892, C replaced by T.
Protein change: p.Arg298Trp; replaces arginine 298 with tryptophan.
Molecular consequence: missense variant.
Genome position (GRCh38, 1-based): chr12:55,749,550, C>T. VCF-style: chr12-55749550-C-T. GRCh37 (hg19) VCF-style: chr12-56143334-C-T.
Other names: short protein forms R298W.
Identifiers: ClinVar variation 3731209 (VCV003731209.1).
Genomic context (GRCh38, chr12:55,749,550, plus strand): 5'-CCTGACCCTCAGCATCCATTCATGGAGCTTCGAGTCCTAGAGAACACAAAACGTTCCCGG[C>T]GGAACCTGGGTCTGGACTGCGACGAGCACTCAAGCGAGTCCCGCTGCTGCCGATATCCCC-3'
Protein context (NP_005802.1, residues 288-308): RVLENTKRSR[Arg298Trp]NLGLDCDEHS

ClinVar aggregate classification (germline): Uncertain significance (1 of 4 stars; one submission).

Submission:

GeneDx
Classification: Uncertain significance. Last evaluated: 2024-08-14. Review status: criteria provided, single submitter. Criteria: GeneDx Variant Classification Process June 2021. Collection method: clinical testing. Allele origin: germline. Affected: yes.
Comment: Not observed at significant frequency in large population cohorts (gnomAD); In silico analysis supports that this missense variant has a deleterious effect on protein structure/function; Has not been previously published as pathogenic or benign to our knowledge